The following is an entry in ClinVar:

NM_000492.4(CFTR):c.3469-65C>A

Genes: CFTR (CF transmembrane conductance regulator; plus strand), CFTR-AS2 (CFTR antisense RNA 2; minus strand). Cytogenetic location: 7q31.2.
Variant type: single nucleotide variant.
Coding change: c.3469-65C>A on transcript NM_000492.4 (MANE Select); 65 bases into the intron before coding-DNA position 3469, C replaced by A.
Molecular consequence: intron variant.
Genome position (GRCh38, 1-based): chr7:117,627,457, C>A. VCF-style: chr7-117627457-C-A. GRCh37 (hg19) VCF-style: chr7-117267511-C-A.
Identifiers: ClinVar variation 818096 (VCV000818096.5), dbSNP rs213989, ClinGen allele CA12546348.

ClinVar aggregate classification (germline): Benign. Review status: criteria provided, multiple submitters, no conflicts (2 of 4 stars). 3 submissions from 3 submitters: Benign (3). Last evaluated 2018-06-21.

Conditions:
Cystic fibrosis (CF). Also called: MUCOVISCIDOSIS. Identifiers: Orphanet 586, MedGen C0010674, MONDO:0009061, OMIM 219700. Disease mechanism: loss of function.

Allele frequency attached by ClinVar (database versions not stated): 1000 Genomes Project 30x 0.14538; gnomAD 0.18576; gnomAD exomes 0.19245; 1000 Genomes Project 0.14397; TOPMed 0.17394.
gnomAD v4.1: 295,078 of 1,543,244 alleles (19%); highest among the groups gnomAD compares: South Asian, 22%; 29,570 homozygotes.

Submissions (3):

GeneDx
Classification: Benign. Last evaluated: 2018-06-21. Review status: criteria provided, single submitter. Criteria: GeneDx Variant Classification Process June 2021. Collection method: clinical testing. Allele origin: germline. Affected: yes.

CFTR-France
Classification: Benign for cystic fibrosis. Last evaluated: 2018-01-29. Review status: criteria provided, single submitter. Criteria: Claustres M et al. (Hum Mutat 2017). Collection method: curation. Allele origin: germline. Affected: yes and no.
Comment: the variant does not result in CFTR-RD neither

Breakthrough Genomics
Classification: Benign. Review status: criteria provided, single submitter. Criteria: ACMG Guidelines, 2015. Collection method: not provided. Allele origin: germline. Inheritance: Autosomal recessive inheritance. Affected: yes.